The following is an entry in ClinVar:

ClinVar aggregate classification (germline): Conflicting classifications of pathogenicity. Review status: criteria provided, conflicting classifications (1 of 4 stars). 7 submissions from 7 submitters: Uncertain significance (4); Likely benign (1). 2 of the submissions do not count toward it. Last evaluated 2026-04-02.

Conditions:
Cardiovascular phenotype. Identifiers: MedGen CN230736.
Brugada syndrome 8 (BRGDA8). Identifiers: Orphanet 130, MedGen C2751083, MONDO:0013148, OMIM 613123.

Allele frequency attached by ClinVar (database versions not stated): ExAC below 0.00001; gnomAD 0.00004 and 0.00005; gnomAD exomes 0.00004 and 0.00007; TOPMed 0.00006.

Submissions (7):

Women's Health and Genetics/Laboratory Corporation of America, LabCorp
Classification: Uncertain significance. Last evaluated: 2026-04-02. Review status: criteria provided, single submitter. Criteria: LabCorp Variant Classification Summary - May 2015. Collection method: clinical testing. Allele origin: germline.
Comment: Variant summary: HCN4 c.497C>T (p.Pro166Leu) results in a non-conservative amino acid change in the encoded protein sequence. Algorithms developed to predict the effect of missense changes on protein structure and function all suggest that this variant is likely to be disruptive. The variant allele was found at a frequency of 4.3e-05 in 93296 control chromosomes. The available data on variant occurrences in the general population are insufficient to allow any conclusion about variant significance. c.497C>T has been observed in at least one individual who died from Sudden Arrhythmic Death Syndrome, without strong evidence of causality (example: Nunn_2016). This report does not provide unequivocal conclusions about association of the variant with Sick Sinus Syndrome 2. To our knowledge, no experimental evidence demonstrating an impact on protein function has been reported. The following publication has been ascertained in the context of this evaluation (PMID: 26498160). ClinVar contains an entry for this variant (Variation ID: 470673). Based on the evidence outlined above, the variant was classified as uncertain significance.

Labcorp Genetics (formerly Invitae), Labcorp
Classification: Uncertain significance for Brugada syndrome 8. Last evaluated: 2024-12-27. Review status: criteria provided, single submitter. Criteria: Invitae Variant Classification Sherloc (09022015). Collection method: clinical testing. Allele origin: germline.
Comment: This sequence change replaces proline, which is neutral and non-polar, with leucine, which is neutral and non-polar, at codon 166 of the HCN4 protein (p.Pro166Leu). This variant is present in population databases (rs771442346, gnomAD 0.01%). This variant has not been reported in the literature in individuals affected with HCN4-related conditions. ClinVar contains an entry for this variant (Variation ID: 470673). Invitae Evidence Modeling of protein sequence and biophysical properties (such as structural, functional, and spatial information, amino acid conservation, physicochemical variation, residue mobility, and thermodynamic stability) indicates that this missense variant is not expected to disrupt HCN4 protein function with a negative predictive value of 95%. In summary, the available evidence is currently insufficient to determine the role of this variant in disease. Therefore, it has been classified as a Variant of Uncertain Significance.

Blueprint Genetics
Classification: Likely benign. Last evaluated: 2024-11-05. Review status: criteria provided, single submitter. Criteria: ACMG Guidelines, 2015. Collection method: clinical testing. Allele origin: germline.

Ambry Genetics
Classification: Uncertain significance for Cardiovascular phenotype. Last evaluated: 2023-12-20. Review status: criteria provided, single submitter. Criteria: Ambry Variant Classification Scheme 2023. Collection method: clinical testing. Allele origin: germline.
Comment: The p.P166L variant (also known as c.497C>T), located in coding exon 1 of the HCN4 gene, results from a C to T substitution at nucleotide position 497. The proline at codon 166 is replaced by leucine, an amino acid with similar properties. This amino acid position is conserved. In addition, the in silico prediction for this alteration is inconclusive. Since supporting evidence is limited at this time, the clinical significance of this alteration remains unclear.

CeGaT Center for Human Genetics Tuebingen
Classification: Uncertain significance. Last evaluated: 2022-07-01. Review status: criteria provided, single submitter. Criteria: CeGaT Center For Human Genetics Tuebingen Variant Classification Criteria Version 2. Collection method: clinical testing. Allele origin: germline. Affected: yes. Observed: 1 variant allele.
Comment: HCN4: PP3

Clinical Genetics DNA and cytogenetics Diagnostics Lab, Erasmus MC, Erasmus Medical Center
Classification: Uncertain significance. Review status: no assertion criteria provided. Collection method: clinical testing. Allele origin: germline. Affected: yes. Study: VKGL Data-share Consensus. Not counted in ClinVar's aggregate classification.

Clinical Genetics, Academic Medical Center
Classification: Uncertain significance. Review status: no assertion criteria provided. Collection method: clinical testing. Allele origin: germline. Affected: yes. Study: VKGL Data-share Consensus. Not counted in ClinVar's aggregate classification.

Literature cited by the submitters: PubMed 26498160 (cited by Women's Health and Genetics/Laboratory Corporation of America, LabCorp).

NM_005477.3(HCN4):c.497C>T (p.Pro166Leu)

Gene: HCN4 (hyperpolarization activated cyclic nucleotide gated potassium channel 4; minus strand). Cytogenetic location: 15q24.1.
Variant type: single nucleotide variant.
Coding change: c.497C>T on transcript NM_005477.3 (MANE Select); coding-DNA position 497, C replaced by T.
Protein change: p.Pro166Leu; replaces proline 166 with leucine.
Molecular consequence: missense variant.
Genome position (GRCh38, 1-based): chr15:73,367,774, G>A on the plus strand (C>T on the coding strand, the complement: HCN4 is on the minus strand). VCF-style: chr15-73367774-G-A. GRCh37 (hg19) VCF-style: chr15-73660115-G-A.
Other names: short protein forms P166L.
Identifiers: ClinVar variation 470673 (VCV000470673.39), dbSNP rs771442346, ClinGen allele CA7649473.
Genomic context (GRCh38, chr15:73,367,774, plus strand): 5'-GTGTCCACCGAGGGCTGCTCGCAGGAGGCGGAGGCCGGCTGCGGTGGCTGCTGGGGCGGC[G>A]GCGGCGAGGCTGCGGGCTGCGCCGAGGCGCCGGGGCGCTCGGGCTCGGCCGCCAGGCCTG-3'
Protein context (NP_005468.1, residues 156-176): GASAQPAASP[Pro166Leu]PPQQPPQPAS